The following is an entry in ClinVar:

ClinVar aggregate classification (germline): other (0 of 4 stars; one submission).

Conditions:
Familial colorectal cancer. Identifiers: MedGen CN280943, MONDO:0023113. Disease mechanism: loss of function.

Submission:

Systems Biology Platform Zhejiang California International NanoSystems Institute
Classification: other for Familial colorectal cancer. Review status: no assertion criteria provided. Collection method: not provided. Allele origin: unknown.
ClinVar note: Converted during submission from cancer to other.

NM_001127511.3(APC):c.165+28050G>A

Gene: APC (APC regulator of Wnt signaling pathway; plus strand). Cytogenetic location: 5q22.2.
Variant type: single nucleotide variant.
Coding change: c.165+28050G>A on transcript NM_001127511.3; 28050 bases into the intron after coding-DNA position 165, G replaced by A.
Molecular consequence: intron variant.
Genome position (GRCh38, 1-based): chr5:112,735,932, G>A. VCF-style: chr5-112735932-G-A. GRCh37 (hg19) VCF-style: chr5-112071629-G-A.
Other names: c.-1053-18941G>A (NM_001407470.1, NM_001407472.1); c.-18-18941G>A (NM_001407447.1, NM_001354895.2, NM_001407456.1 and 7 more transcripts); c.165+28050G>A (NM_001407446.1, NM_001354897.2, NM_001354902.2); c.-43+28283G>A (NM_001407453.1).
Identifiers: ClinVar variation 82322 (VCV000082322.4), dbSNP rs74380863, ClinGen allele CA023622.